The following is an entry in ClinVar:

NM_004239.4(TRIP11):c.2123del (p.Asn708fs)

Gene: TRIP11 (thyroid hormone receptor interactor 11; minus strand). Cytogenetic location: 14q32.12.
Variant type: Deletion.
Coding change: c.2123del on transcript NM_004239.4 (MANE Select); coding-DNA position 2123, one base deleted (A; older notation c.2123delA).
Protein change: p.Asn708fs; shifts the reading frame from asparagine 708.
Molecular consequence: frameshift variant.
Genome position (GRCh38, 1-based): chr14:92,005,853, T deleted on the plus strand (A on the coding strand, the reverse complement: TRIP11 is on the minus strand); the first of 7 consecutive T bases (chr14:92,005,853-92,005,859); deleting any one gives the same sequence. VCF-style (leftmost placement, unchanged base first): chr14-92005852-GT-G. GRCh37 (hg19) VCF-style: chr14-92472196-GT-G.
Other names: c.2120del, p.Asn707fs (NM_001321851.1); short protein forms N707fs, N708fs.
Identifiers: ClinVar variation 1390930 (VCV001390930.6), dbSNP rs747106242, ClinGen allele CA7313831.

ClinVar aggregate classification (germline): Pathogenic (1 of 4 stars; one submission).

Conditions:
Achondrogenesis, type IA (ACG1A). Identifiers: Orphanet 932, Orphanet 93299, MedGen C0265273, MONDO:0008701, OMIM 200600.

Submission:

Labcorp Genetics (formerly Invitae), Labcorp
Classification: Pathogenic for Achondrogenesis, type IA. Last evaluated: 2022-07-25. Review status: criteria provided, single submitter. Criteria: Invitae Variant Classification Sherloc (09022015). Collection method: clinical testing. Allele origin: germline.
Comment: This sequence change creates a premature translational stop signal (p.Asn708Thrfs*7) in the TRIP11 gene. It is expected to result in an absent or disrupted protein product. Loss-of-function variants in TRIP11 are known to be pathogenic (PMID: 20089971, 23956106). For these reasons, this variant has been classified as Pathogenic. ClinVar contains an entry for this variant (Variation ID: 1390930). This variant has not been reported in the literature in individuals affected with TRIP11-related conditions. This variant is present in population databases (rs747106242, gnomAD 0.002%).

Literature cited by the submitters: PubMed 20089971; PubMed 23956106.